The following is an entry in ClinVar:

NM_000747.3(CHRNB1):c.706A>C (p.Ile236Leu)

Gene: CHRNB1 (cholinergic receptor nicotinic beta 1 subunit; plus strand). Cytogenetic location: 17p13.1.
Variant type: single nucleotide variant.
Coding change: c.706A>C on transcript NM_000747.3 (MANE Select); coding-DNA position 706, A replaced by C.
Protein change: p.Ile236Leu; replaces isoleucine 236 with leucine.
Molecular consequence: missense variant.
Genome position (GRCh38, 1-based): chr17:7,448,674, A>C. VCF-style: chr17-7448674-A-C. GRCh37 (hg19) VCF-style: chr17-7351993-A-C.
Other names: short protein forms I236L.
Identifiers: ClinVar variation 1523789 (VCV001523789.6), dbSNP rs1908763989, ClinGen allele CA397794389.
Genomic context (GRCh38, chr17:7,448,674, plus strand): 5'-CGGCTAATCCAGCCTCCAGGCGATCCTAGGGGAGGGAGGGAAGGACAGCGCCAGGAAGTC[A>C]TCTTCTACCTCATCATCCGCCGCAAGCCTCTCTTCTACCTGGTCAACGTCATTGCCCCAT-3'
Protein context (NP_000738.2, residues 226-246): GGREGQRQEV[Ile236Leu]FYLIIRRKPL

ClinVar aggregate classification (germline): Uncertain significance (1 of 4 stars; one submission).

Conditions:
Congenital myasthenic syndrome 2A. Also called: Myasthenic syndrome, congenital, 2a, slow-channel. Identifiers: Orphanet 590, MedGen C4225374, MONDO:0014581, OMIM 616313.

Allele frequency attached by ClinVar (database versions not stated): gnomAD 0.00001; TOPMed 0.00001.
gnomAD v4.1: 1 of 1,614,014 alleles (0.000062%); highest among the groups gnomAD compares: Admixed American, 0.0017%; no homozygotes.

Submission:

Labcorp Genetics (formerly Invitae), Labcorp
Classification: Uncertain significance for Congenital myasthenic syndrome 2A. Last evaluated: 2022-07-19. Review status: criteria provided, single submitter. Criteria: Invitae Variant Classification Sherloc (09022015). Collection method: clinical testing. Allele origin: germline.
Comment: This variant is not present in population databases (gnomAD no frequency). This sequence change replaces isoleucine, which is neutral and non-polar, with leucine, which is neutral and non-polar, at codon 236 of the CHRNB1 protein (p.Ile236Leu). This variant has not been reported in the literature in individuals affected with CHRNB1-related conditions. ClinVar contains an entry for this variant (Variation ID: 1523789). Advanced modeling of protein sequence and biophysical properties (such as structural, functional, and spatial information, amino acid conservation, physicochemical variation, residue mobility, and thermodynamic stability) performed at Invitae indicates that this missense variant is not expected to disrupt CHRNB1 protein function. In summary, the available evidence is currently insufficient to determine the role of this variant in disease. Therefore, it has been classified as a Variant of Uncertain Significance.